The following is an entry in ClinVar:

NM_001081.4(CUBN):c.6924A>T (p.Ser2308=)

Gene: CUBN (cubilin; minus strand). Cytogenetic location: 10p13.
Variant type: single nucleotide variant.
Coding change: c.6924A>T on transcript NM_001081.4 (MANE Select); coding-DNA position 6924, A replaced by T.
Protein change: p.Ser2308=; no amino-acid change (serine 2308 retained).
Molecular consequence: synonymous variant.
Genome position (GRCh38, 1-based): chr10:16,918,698, T>A on the plus strand (A>T on the coding strand, the complement: CUBN is on the minus strand). VCF-style: chr10-16918698-T-A. GRCh37 (hg19) VCF-style: chr10-16960697-T-A.
Other names: p.Ser2308=.
Identifiers: ClinVar variation 299433 (VCV000299433.20), dbSNP rs115303408, ClinGen allele CA5423520.

ClinVar aggregate classification (germline): Benign/Likely benign. Review status: criteria provided, multiple submitters, no conflicts (2 of 4 stars). 6 submissions from 6 submitters: Benign (4); Likely benign (1). 1 of the submissions does not count toward it. Last evaluated 2025-12-29.

Conditions:
CUBN-related disorder. Also called: CUBN-related condition.
Imerslund-Grasbeck syndrome type 1 (IGS1). Also called: Megaloblastic anemia 1, Finnish type; MEGALOBLASTIC ANEMIA, 1; Imerslund-Gräsbeck syndrome 1. Identifiers: MedGen C4016819, MONDO:0100156, OMIM 261100.
Imerslund-Grasbeck syndrome. Also called: Megaloblastic anemia due to inborn errors of metabolism; Imerslund-Gräsbeck syndrome; ENTEROCYTE COBALAMIN MALABSORPTION; ENTEROCYTE INTRINSIC FACTOR RECEPTOR, DEFECT OF; PERNICIOUS ANEMIA, JUVENILE, DUE TO SELECTIVE INTESTINAL MALABSORPTION OF VITAMIN B12, WITH PROTEINURIA. Identifiers: Orphanet 35858, MedGen C4551825, MONDO:0009853.

Allele frequency attached by ClinVar (database versions not stated): TOPMed 0.00745; gnomAD exomes 0.00098 and 0.00220; 1000 Genomes Project 0.00719; gnomAD 0.00682 and 0.00727; ESP Exome Variant Server 0.00730; 1000 Genomes Project 30x 0.00765; ExAC 0.00228.
gnomAD v4.1: 2,516 of 1,613,968 alleles (0.16%); highest among the groups gnomAD compares: African/African-American, 2.2%; 14 homozygotes.

Submissions (6):

Labcorp Genetics (formerly Invitae), Labcorp
Classification: Benign for Imerslund-Grasbeck syndrome. Last evaluated: 2025-12-29. Review status: criteria provided, single submitter. Criteria: Invitae Variant Classification Sherloc (09022015). Collection method: clinical testing. Allele origin: germline.

ARUP Laboratories, Molecular Genetics and Genomics, ARUP Laboratories
Classification: Benign. Last evaluated: 2023-09-21. Review status: criteria provided, single submitter. Criteria: ARUP Molecular Germline Variant Investigation Process 2024. Collection method: clinical testing. Allele origin: germline.

Mayo Clinic Laboratories, Mayo Clinic
Classification: Benign. Last evaluated: 2023-09-19. Review status: criteria provided, single submitter. Criteria: ACMG Guidelines, 2015. Collection method: clinical testing. Allele origin: germline. Observed: 4 variant alleles.
Comment: BS1, BS2, BP4, BP7

GeneDx
Classification: Likely benign. Last evaluated: 2021-02-19. Review status: criteria provided, single submitter. Criteria: GeneDx Variant Classification Process June 2021. Collection method: clinical testing. Allele origin: germline. Affected: yes.

Illumina Laboratory Services, Illumina
Classification: Benign for Imerslund-Grasbeck syndrome type 1. Last evaluated: 2018-01-13. Review status: criteria provided, single submitter. Criteria: ICSL Variant Classification Criteria 13 December 2019. Collection method: clinical testing. Allele origin: germline.
Comment: This variant was observed in the ICSL laboratory as part of a predisposition screen in an ostensibly healthy population. It had not been previously curated by ICSL or reported in the Human Gene Mutation Database (HGMD: prior to June 1st, 2018), and was therefore a candidate for classification through an automated scoring system. Utilizing variant allele frequency, disease prevalence and penetrance estimates, and inheritance mode, an automated score was calculated to assess if this variant is too frequent to cause the disease. Based on the score and internal cut-off values, a variant classified as benign is not then subjected to further curation. The score for this variant resulted in a classification of benign for this disease.

PreventionGenetics, part of Exact Sciences
Classification: Benign for CUBN-related condition. Last evaluated: 2021-07-26. Review status: no assertion criteria provided. Collection method: clinical testing. Allele origin: germline. Not counted in ClinVar's aggregate classification.
Comment: This variant is classified as benign based on ACMG/AMP sequence variant interpretation guidelines (Richards et al. 2015 PMID: 25741868, with internal and published modifications).